The following is an entry in ClinVar:

ClinVar aggregate classification (germline): Uncertain significance. Review status: criteria provided, multiple submitters, no conflicts (2 of 4 stars). 5 submissions from 5 submitters: Uncertain significance (5). Last evaluated 2020-09-10.

Conditions:
Cardiovascular phenotype. Identifiers: MedGen CN230736.
Dilated cardiomyopathy 1G (CMD1G). Identifiers: Orphanet 154, MedGen C1858763, MONDO:0011400, OMIM 604145.
Autosomal recessive limb-girdle muscular dystrophy type 2J (LGMDR10). Also called: MUSCULAR DYSTROPHY, LIMB-GIRDLE, AUTOSOMAL RECESSIVE 10; Limb-girdle muscular dystrophy, type 2J. Identifiers: Orphanet 140922, MedGen C1837342, MONDO:0012127, OMIM 608807.

Allele frequency attached by ClinVar (database versions not stated): gnomAD exomes below 0.00001 and 0.00001; TOPMed 0.00001.
gnomAD v4.1: 20 of 1,613,798 alleles (0.0012%); highest among the groups gnomAD compares: Non-Finnish European, 0.0016%; no homozygotes.

Submissions (5):

Ambry Genetics
Classification: Uncertain significance for Cardiovascular phenotype. Last evaluated: 2020-09-10. Review status: criteria provided, single submitter. Criteria: Ambry Variant Classification Scheme 2023. Collection method: clinical testing. Allele origin: germline.
Comment: The p.S22286L variant (also known as c.66857C>T), located in coding exon 166 of the TTN gene, results from a C to T substitution at nucleotide position 66857. The serine at codon 22286 is replaced by leucine, an amino acid with dissimilar properties. This amino acid position is highly conserved in available vertebrate species. In addition, this alteration is predicted to be tolerated by in silico analysis. Since supporting evidence is limited at this time, the clinical significance of this alteration remains unclear.

Revvity Omics, Revvity
Classification: Uncertain significance. Last evaluated: 2019-12-29. Review status: criteria provided, single submitter. Criteria: ACMG Guidelines, 2015. Collection method: clinical testing. Allele origin: germline.

Eurofins Ntd Llc (ga)
Classification: Uncertain significance. Last evaluated: 2017-11-22. Review status: criteria provided, single submitter. Criteria: EGL Classification Definitions 2015. Collection method: clinical testing. Allele origin: germline. Observed: 1 variant allele, 1 heterozygote.

Labcorp Genetics (formerly Invitae), Labcorp
Classification: Uncertain significance for Dilated cardiomyopathy 1G; Autosomal recessive limb-girdle muscular dystrophy type 2J. Last evaluated: 2015-12-22. Review status: criteria provided, single submitter. Criteria: Invitae Variant Classification Sherloc (09022015). Collection method: clinical testing. Allele origin: germline.

GeneDx
Classification: Uncertain significance. Last evaluated: 2014-06-25. Review status: criteria provided, single submitter. Criteria: GeneDx Variant Classification (06012015). Collection method: clinical testing. Allele origin: germline. Affected: yes.
Comment: Missense variants in the TTN gene are considered 'unclassified' if they are not previously reported in the literature and do not have >1% frequency in the population to be considered a polymorphism. Research indicates that truncating mutations in the TTN gene are expected to account for approximately 25% of familial and 18% of sporadic idiopathic DCM; however, truncating variants in the TTN gene have been reported in approximately 3% of reported control alleles. There has been little investigation into non-truncating variants. (Herman D et al. Truncations of titin causing dilated cardiomyopathy. N Eng J Med 366:619-628, 2012) The variant is found in CARDIOMYOPATHY panel(s).

NM_001267550.2(TTN):c.94052C>T (p.Ser31351Leu)

Genes: TTN (titin; minus strand), TTN-AS1 (TTN antisense RNA 1; plus strand). Cytogenetic location: 2q31.2.
Variant type: single nucleotide variant.
Coding change: c.94052C>T on transcript NM_001267550.2 (MANE Select); coding-DNA position 94052, C replaced by T.
Protein change: p.Ser31351Leu; replaces serine 31351 with leucine.
Molecular consequence: missense variant.
Genome position (GRCh38, 1-based): chr2:178,547,574, G>A on the plus strand (C>T on the coding strand, the complement: TTN is on the minus strand). VCF-style: chr2-178547574-G-A. GRCh37 (hg19) VCF-style: chr2-179412301-G-A.
Other names: p.S29710L:TCG>TTG; c.89129C>T, p.Ser29710Leu (NM_001256850.1); c.66857C>T, p.Ser22286Leu (NM_003319.4); c.86348C>T, p.Ser28783Leu (NM_133378.4); c.67232C>T, p.Ser22411Leu (NM_133432.3); c.67433C>T, p.Ser22478Leu (NM_133437.4); short protein forms S29710L, S31351L, S28783L, S22286L, S22411L, S22478L.
Identifiers: ClinVar variation 202998 (VCV000202998.13), dbSNP rs794729536, ClinGen allele CA310932.
Genomic context (GRCh38, chr2:178,547,574, plus strand): 5'-GTGACTTTAATTTGAGTGCGCTTGACACTGGAATTGACAAGCTGCCAAGCTGTTGTACCC[G>A]ATTCACGCTTTTCAACTATGTAATTAGTAATTTCAGTGCCTCCTCCATCTTTAGGTTCTC-3'
Protein context (NP_001254479.2, residues 31341-31361): ITNYIVEKRE[Ser31351Leu]GTTAWQLVNS